The following is an entry in ClinVar:

ClinVar aggregate classification (germline): Pathogenic (1 of 4 stars; one submission).

Conditions:
Leber congenital amaurosis 8 (LCA8). Identifiers: Orphanet 65, MedGen C3151202, MONDO:0013453, OMIM 613835.
Retinitis pigmentosa 12 (RP12). Also called: RP WITH OR WITHOUT PRESERVED PARAARTERIOLE RETINAL PIGMENT EPITHELIUM; RETINITIS PIGMENTOSA WITH OR WITHOUT PARAARTERIOLAR PRESERVATION OF RETINAL PIGMENT EPITHELIUM; RP WITH OR WITHOUT PPRPE. Identifiers: Orphanet 791, MedGen C1838647, MONDO:0010818, OMIM 600105.

gnomAD v4.1: 1 of 1,612,992 alleles (0.000062%); no homozygotes.

Submission:

Labcorp Genetics (formerly Invitae), Labcorp
Classification: Pathogenic for Leber congenital amaurosis 8; Retinitis pigmentosa 12. Last evaluated: 2024-11-05. Review status: criteria provided, single submitter. Criteria: Invitae Variant Classification Sherloc (09022015). Collection method: clinical testing. Allele origin: germline.
Comment: This sequence change creates a premature translational stop signal (p.Cys1274*) in the CRB1 gene. It is expected to result in an absent or disrupted protein product. Loss-of-function variants in CRB1 are known to be pathogenic (PMID: 10508521, 22065545, 23379534, 25412400, 26957898, 28041643, 29391521). This variant is present in population databases (no rsID available, gnomAD 0.03%). This premature translational stop signal has been observed in individual(s) with Leber congenital amaurosis (PMID: 31736247). Algorithms developed to predict the effect of sequence changes on RNA splicing suggest that this variant may disrupt the consensus splice site. For these reasons, this variant has been classified as Pathogenic.

Literature cited by the submitters: PubMed 10508521; PubMed 22065545; PubMed 23379534; PubMed 25412400; PubMed 26957898; PubMed 28041643; PubMed 29391521; PubMed 31736247.

NM_201253.3(CRB1):c.3822C>A (p.Cys1274Ter)

Gene: CRB1 (crumbs cell polarity complex component 1; plus strand). Cytogenetic location: 1q31.3.
Variant type: single nucleotide variant.
Coding change: c.3822C>A on transcript NM_201253.3 (MANE Select); coding-DNA position 3822, C replaced by A.
Protein change: p.Cys1274Ter; replaces cysteine 1274 with a stop codon.
Molecular consequence: nonsense. On other transcripts: non-coding transcript variant (2).
Genome position (GRCh38, 1-based): chr1:197,438,619, C>A. VCF-style: chr1-197438619-C-A. GRCh37 (hg19) VCF-style: chr1-197407749-C-A.
Other names: c.3486C>A, p.Cys1162Ter (NM_001193640.2); c.3750C>A, p.Cys1250Ter (NM_001257965.2); c.2214C>A, p.Cys738Ter (NM_001257966.2); short protein forms C1162*, C1250*, C1274*, C738*.
Identifiers: ClinVar variation 3763121 (VCV003763121.2).